The following is an entry in ClinVar:

NM_152564.5(VPS13B):c.2605G>A (p.Ala869Thr)

Gene: VPS13B (vacuolar protein sorting 13 homolog B; plus strand). Cytogenetic location: 8q22.2.
Variant type: single nucleotide variant.
Coding change: c.2605G>A on transcript NM_152564.5 (MANE Select); coding-DNA position 2605, G replaced by A.
Protein change: p.Ala869Thr; replaces alanine 869 with threonine.
Molecular consequence: missense variant.
Genome position (GRCh38, 1-based): chr8:99,274,287, G>A. VCF-style: chr8-99274287-G-A. GRCh37 (hg19) VCF-style: chr8-100286515-G-A.
Other names: c.2605G>A, p.Ala869Thr (NM_017890.5); c.2605G>A (NM_152564.4); short protein forms A869T.
Identifiers: ClinVar variation 1375612 (VCV001375612.8), dbSNP rs371800257, ClinGen allele CA4822963.

ClinVar aggregate classification (germline): Uncertain significance. Review status: criteria provided, multiple submitters, no conflicts (2 of 4 stars). 2 submissions from 2 submitters: Uncertain significance (2). Last evaluated 2025-08-20.

Conditions:
Cohen syndrome (COH1). Also called: Cutis verticis gyrata, retinitis pigmentosa, and sensorineural deafness; PEPPER SYNDROME. Identifiers: Orphanet 193, MedGen C0265223, MONDO:0008999, OMIM 216550.
VPS13B-related disorder. Also called: VPS13B-related condition.

Allele frequency attached by ClinVar (database versions not stated): gnomAD exomes below 0.00001; gnomAD 0.00001; TOPMed 0.00001; ExAC 0.00002; ESP Exome Variant Server 0.00008; 1000 Genomes Project 0.00020; 1000 Genomes Project 30x 0.00031.
gnomAD v4.1: 3 of 1,614,110 alleles (0.00019%); highest among the groups gnomAD compares: African/African-American, 0.004%; no homozygotes.

Submissions (2):

PreventionGenetics, part of Exact Sciences
Classification: Uncertain significance for VPS13B-related condition. Last evaluated: 2025-08-20. Review status: criteria provided, single submitter. Criteria: ACMG Guidelines, 2015. Collection method: clinical testing. Allele origin: germline.
Comment: The VPS13B c.2605G>A variant is predicted to result in the amino acid substitution p.Ala869Thr. To our knowledge, this variant has not been reported in the literature. This variant is reported in 0.0062% of alleles in individuals of African descent in gnomAD. At this time, the clinical significance of this variant is uncertain due to the absence of conclusive functional and genetic evidence.

Labcorp Genetics (formerly Invitae), Labcorp
Classification: Uncertain significance for Cohen syndrome. Last evaluated: 2022-07-06. Review status: criteria provided, single submitter. Criteria: Invitae Variant Classification Sherloc (09022015). Collection method: clinical testing. Allele origin: germline.
Comment: This sequence change replaces alanine, which is neutral and non-polar, with threonine, which is neutral and polar, at codon 869 of the VPS13B protein (p.Ala869Thr). This variant is present in population databases (rs371800257, gnomAD 0.007%). This variant has not been reported in the literature in individuals affected with VPS13B-related conditions. ClinVar contains an entry for this variant (Variation ID: 1375612). Algorithms developed to predict the effect of missense changes on protein structure and function are either unavailable or do not agree on the potential impact of this missense change (SIFT: "Not Available"; PolyPhen-2: "Possibly Damaging"; Align-GVGD: "Not Available"). In summary, the available evidence is currently insufficient to determine the role of this variant in disease. Therefore, it has been classified as a Variant of Uncertain Significance.